The following is an entry in ClinVar:

ClinVar aggregate classification (germline): Uncertain significance. Review status: criteria provided, multiple submitters, no conflicts (2 of 4 stars). 3 submissions from 3 submitters: Uncertain significance (3). Last evaluated 2025-08-13.

Conditions:
Hereditary cancer-predisposing syndrome. Also called: Neoplastic Syndromes, Hereditary; Tumor predisposition; Hereditary Cancer Syndrome; Hereditary neoplastic syndrome. Identifiers: Orphanet 140162, MedGen C0027672, MeSH D009386, MONDO:0015356.
Familial cancer of breast. Also called: BREAST CANCER, FAMILIAL; hereditary breast carcinoma; Hereditary breast cancer. Identifiers: Orphanet 227535, MedGen C0346153, MONDO:0016419, OMIM 114480. Disease mechanism: loss of function.

Allele frequency attached by ClinVar (database versions not stated): gnomAD exomes below 0.00001; gnomAD 0.00001; TOPMed 0.00001.

Submissions (3):

Labcorp Genetics (formerly Invitae), Labcorp
Classification: Uncertain significance for Familial cancer of breast. Last evaluated: 2025-08-13. Review status: criteria provided, single submitter. Criteria: Invitae Variant Classification Sherloc (09022015). Collection method: clinical testing. Allele origin: germline.
Comment: This sequence change replaces glycine, which is neutral and non-polar, with valine, which is neutral and non-polar, at codon 401 of the PALB2 protein (p.Gly401Val). This variant is present in population databases (no rsID available, gnomAD 0.007%). This variant has not been reported in the literature in individuals affected with PALB2-related conditions. ClinVar contains an entry for this variant (Variation ID: 639246). Invitae Evidence Modeling of protein sequence and biophysical properties (such as structural, functional, and spatial information, amino acid conservation, physicochemical variation, residue mobility, and thermodynamic stability) indicates that this missense variant is expected to disrupt PALB2 protein function with a positive predictive value of 80%. In summary, the available evidence is currently insufficient to determine the role of this variant in disease. Therefore, it has been classified as a Variant of Uncertain Significance.

Quest Diagnostics Nichols Institute San Juan Capistrano
Classification: Uncertain significance. Last evaluated: 2025-01-09. Review status: criteria provided, single submitter. Criteria: Quest Diagnostics criteria. Collection method: clinical testing. Allele origin: unknown.
Comment: The PALB2 c.1202G>T (p.Gly401Val) variant has not been reported in individuals with PALB2-related conditions in the published literature. The frequency of this variant in the general population (Genome Aggregation Database) is uninformative in the assessment of its pathogenicity. Analysis of this variant using bioinformatics tools for the prediction of the effect of amino acid changes on protein structure and function yielded conflicting predictions that this variant is benign or damaging. Based on the available information, we are unable to determine the clinical significance of this variant.

Ambry Genetics
Classification: Uncertain significance for Hereditary cancer-predisposing syndrome. Last evaluated: 2024-01-24. Review status: criteria provided, single submitter. Criteria: Ambry Variant Classification Scheme 2023. Collection method: clinical testing. Allele origin: germline.
Comment: The p.G401V variant (also known as c.1202G>T), located in coding exon 4 of the PALB2 gene, results from a G to T substitution at nucleotide position 1202. The glycine at codon 401 is replaced by valine, an amino acid with dissimilar properties. This amino acid position is highly conserved in available vertebrate species. In addition, this alteration is predicted to be deleterious by in silico analysis. Since supporting evidence is limited at this time, the clinical significance of this alteration remains unclear.

Literature cited by the submitters: PubMed 39643631 (cited by Quest Diagnostics Nichols Institute San Juan Capistrano).

NM_024675.4(PALB2):c.1202G>T (p.Gly401Val)

Gene: PALB2 (partner and localizer of BRCA2; minus strand). Cytogenetic location: 16p12.2.
Variant type: single nucleotide variant.
Coding change: c.1202G>T on transcript NM_024675.4 (MANE Select); coding-DNA position 1202, G replaced by T.
Protein change: p.Gly401Val; replaces glycine 401 with valine.
Molecular consequence: missense variant.
Genome position (GRCh38, 1-based): chr16:23,635,344, C>A on the plus strand (G>T on the coding strand, the complement: PALB2 is on the minus strand). VCF-style: chr16-23635344-C-A. GRCh37 (hg19) VCF-style: chr16-23646665-C-A.
Other names: short protein forms G401V.
Identifiers: ClinVar variation 639246 (VCV000639246.15), dbSNP rs1462655583, ClinGen allele CA395133214.